The following is an entry in ClinVar:

ClinVar aggregate classification (germline): Conflicting classifications of pathogenicity. Review status: criteria provided, conflicting classifications (1 of 4 stars). 3 submissions from 3 submitters: Uncertain significance (2); Likely benign (1). Last evaluated 2025-11-24.

Conditions:
Short-rib thoracic dysplasia 6 with or without polydactyly (SRTD6). Also called: SHORT-RIB THORACIC DYSPLASIA 6 WITH POLYDACTYLY; Majewski Syndrome; SHORT RIB-POLYDACTYLY SYNDROME, TYPE IIA; SHORT-RIB THORACIC DYSPLASIA 6 WITHOUT POLYDACTYLY; POLYDACTYLY WITH NEONATAL CHONDRODYSTROPHY, TYPE II. Identifiers: MedGen C0024507, MONDO:0009894, OMIM 263520.
NEK1-related disorder. Also called: NEK1-related condition.

Allele frequency attached by ClinVar (database versions not stated): TOPMed 0.00003.
gnomAD v4.1: 51 of 1,608,970 alleles (0.0032%); highest among the groups gnomAD compares: East Asian, 0.027%; no homozygotes.

Submissions (3):

Labcorp Genetics (formerly Invitae), Labcorp
Classification: Likely benign for Short-rib thoracic dysplasia 6 with or without polydactyly. Last evaluated: 2025-11-24. Review status: criteria provided, single submitter. Criteria: Invitae Variant Classification Sherloc (09022015). Collection method: clinical testing. Allele origin: germline.

PreventionGenetics, part of Exact Sciences
Classification: Uncertain significance for NEK1-related condition. Last evaluated: 2024-12-16. Review status: criteria provided, single submitter. Criteria: ACMG Guidelines, 2015. Collection method: clinical testing. Allele origin: germline.
Comment: The NEK1 c.3205G>A variant is predicted to result in the amino acid substitution p.Val1069Ile. To our knowledge, this variant has not been reported in the literature. This variant is reported in 0.067% of alleles in individuals of East Asian descent in gnomAD. Although we suspect that this variant may be benign, at this time, the clinical significance of this variant is uncertain due to the absence of conclusive functional and genetic evidence.

Illumina Laboratory Services, Illumina
Classification: Uncertain significance for Short-rib thoracic dysplasia 6 with or without polydactyly. Last evaluated: 2018-01-12. Review status: criteria provided, single submitter. Criteria: ICSL Variant Classification Criteria 13 December 2019. Collection method: clinical testing. Allele origin: germline.

NM_001199397.3(NEK1):c.3289G>A (p.Val1097Ile)

Gene: NEK1 (NIMA related kinase 1; minus strand). Cytogenetic location: 4q33.
Variant type: single nucleotide variant.
Coding change: c.3289G>A on transcript NM_001199397.3 (MANE Select); coding-DNA position 3289, G replaced by A.
Protein change: p.Val1097Ile; replaces valine 1097 with isoleucine.
Molecular consequence: missense variant. On other transcripts: non-coding transcript variant (1).
Genome position (GRCh38, 1-based): chr4:169,406,681, C>T on the plus strand (G>A on the coding strand, the complement: NEK1 is on the minus strand). VCF-style: chr4-169406681-C-T. GRCh37 (hg19) VCF-style: chr4-170327832-C-T.
Other names: c.3157G>A, p.Val1053Ile (NM_001199398.3); c.2998G>A, p.Val1000Ile (NM_001199399.3); c.3073G>A, p.Val1025Ile (NM_001199400.3); c.3289G>A, p.Val1097Ile (NM_001374418.1); c.3205G>A, p.Val1069Ile (NM_001374419.1, NM_012224.4); c.3154G>A, p.Val1052Ile (NM_001374420.1); c.2806G>A, p.Val936Ile (NM_001374421.1); short protein forms V1052I, V1097I, V1000I, V1069I, V1053I, V936I, V1025I.
Identifiers: ClinVar variation 903155 (VCV000903155.14), dbSNP rs374890006, ClinGen allele CA3137190.
Genomic context (GRCh38, chr4:169,406,681, plus strand): 5'-CTTTAATGTTTTCATCTTCAATTTCATCTATTTCAAGATTGTCTTGACGAACATCTCCTA[C>T]GGTGGGAACATCCATAAGGGTTCTGAACAGCTTTGAGAGATCTGGAAGTGAACATGTCCT-3'
Protein context (NP_001186326.1, residues 1087-1107): LFRTLMDVPT[Val1097Ile]GDVRQDNLEI